The following is an entry in ClinVar:

ClinVar aggregate classification (germline): Benign/Likely benign. Review status: criteria provided, multiple submitters, no conflicts (2 of 4 stars). 7 submissions from 6 submitters: Benign (1); Likely benign (4). 2 of the submissions do not count toward it. Last evaluated 2025-12-08.

Conditions:
Retinitis pigmentosa (RP). Identifiers: Orphanet 791, MedGen C0035334, MeSH D012174, MONDO:0019200, OMIM 268000. Inheritance: Autosomal dominant, autosomal recessive and X linked inheritance.
Congenital stationary night blindness autosomal dominant 1. Also called: NIGHT BLINDNESS, CONGENITAL STATIONARY, RHODOPSIN-RELATED. Identifiers: Orphanet 215, MedGen C1864869, MONDO:0012498, OMIM 610445.

Allele frequency attached by ClinVar (database versions not stated): 1000 Genomes Project 30x 0.00016; 1000 Genomes Project 0.00020; TOPMed 0.00062; ExAC 0.00063; gnomAD exomes 0.00064 and 0.00110; gnomAD 0.00074 and 0.00075; ESP Exome Variant Server 0.00131.
gnomAD v4.1: 1,698 of 1,614,040 alleles (0.11%); highest among the groups gnomAD compares: Non-Finnish European, 0.13%; 2 homozygotes.

Submissions (7):

Labcorp Genetics (formerly Invitae), Labcorp
Classification: Benign. Last evaluated: 2025-12-08. Review status: criteria provided, single submitter. Criteria: Invitae Variant Classification Sherloc (09022015). Collection method: clinical testing. Allele origin: germline.

Blueprint Genetics
Classification: Likely benign. Last evaluated: 2024-11-15. Review status: criteria provided, single submitter. Criteria: ACMG Guidelines, 2015. Collection method: clinical testing. Allele origin: germline.

CeGaT Center for Human Genetics Tuebingen
Classification: Likely benign. Last evaluated: 2023-09-01. Review status: criteria provided, single submitter. Criteria: CeGaT Center For Human Genetics Tuebingen Variant Classification Criteria Version 2. Collection method: clinical testing. Allele origin: germline. Affected: yes. Observed: 1 variant allele.
Comment: RHO: BP4, BP7

Illumina Laboratory Services, Illumina
Classification: Likely benign for Congenital stationary night blindness autosomal dominant 1. Last evaluated: 2017-04-27. Review status: criteria provided, single submitter. Criteria: ICSL Variant Classification Criteria 13 December 2019. Collection method: clinical testing. Allele origin: germline.
Comment: This variant was observed as part of a predisposition screen in an ostensibly healthy population. A literature search was performed for the gene, cDNA change, and amino acid change (where applicable). No publications were found based on this search. Allele frequency data from public databases allowed determination this variant is unlikely to cause disease. Therefore, this variant is classified as likely benign.

Illumina Laboratory Services, Illumina
Classification: Likely benign for Retinitis pigmentosa. Last evaluated: 2017-04-27. Review status: criteria provided, single submitter. Criteria: ICSL Variant Classification Criteria 13 December 2019. Collection method: clinical testing. Allele origin: germline.
Comment: This variant was observed as part of a predisposition screen in an ostensibly healthy population. A literature search was performed for the gene, cDNA change, and amino acid change (where applicable). Publications were found based on this search. The evidence from the literature, in combination with allele frequency data from public databases where available, was sufficient to determine this variant is unlikely to cause disease. Therefore, this variant is classified as likely benign.

Clinical Genetics DNA and cytogenetics Diagnostics Lab, Erasmus MC, Erasmus Medical Center
Classification: Likely benign. Review status: no assertion criteria provided. Collection method: clinical testing. Allele origin: germline. Affected: yes. Study: VKGL Data-share Consensus. Not counted in ClinVar's aggregate classification.

Clinical Genetics, Academic Medical Center
Classification: Likely benign. Review status: no assertion criteria provided. Collection method: clinical testing. Allele origin: germline. Affected: yes. Study: VKGL Data-share Consensus. Not counted in ClinVar's aggregate classification.

Literature cited by the submitters: PubMed 14971589 (cited by Illumina Laboratory Services, Illumina); PubMed 10521250 (cited by Illumina Laboratory Services, Illumina).

NM_000539.3(RHO):c.969C>T (p.Cys323=)

Gene: RHO (rhodopsin; plus strand). Cytogenetic location: 3q22.1.
Variant type: single nucleotide variant.
Coding change: c.969C>T on transcript NM_000539.3 (MANE Select); coding-DNA position 969, C replaced by T.
Protein change: p.Cys323=; no amino-acid change (cysteine 323 retained).
Molecular consequence: synonymous variant.
Genome position (GRCh38, 1-based): chr3:129,533,640, C>T. VCF-style: chr3-129533640-C-T. GRCh37 (hg19) VCF-style: chr3-129252483-C-T.
Identifiers: ClinVar variation 343283 (VCV000343283.43), dbSNP rs142771862, ClinGen allele CA2607348.